The following is an entry in ClinVar:

ClinVar aggregate classification (germline): Uncertain significance. Review status: criteria provided, multiple submitters, no conflicts (2 of 4 stars). 2 submissions from 2 submitters: Uncertain significance (2). Last evaluated 2024-03-12.

Submissions (2):

Labcorp Genetics (formerly Invitae), Labcorp
Classification: Uncertain significance. Last evaluated: 2024-03-12. Review status: criteria provided, single submitter. Criteria: Invitae Variant Classification Sherloc (09022015). Collection method: clinical testing. Allele origin: germline.
Comment: This sequence change replaces threonine, which is neutral and polar, with proline, which is neutral and non-polar, at codon 1636 of the CACNA1F protein (p.Thr1636Pro). This variant is not present in population databases (gnomAD no frequency). This variant has not been reported in the literature in individuals affected with CACNA1F-related conditions. ClinVar contains an entry for this variant (Variation ID: 1703457). An algorithm developed to predict the effect of missense changes on protein structure and function (PolyPhen-2) suggests that this variant is likely to be tolerated. In summary, the available evidence is currently insufficient to determine the role of this variant in disease. Therefore, it has been classified as a Variant of Uncertain Significance.

GeneDx
Classification: Uncertain significance. Last evaluated: 2022-02-19. Review status: criteria provided, single submitter. Criteria: GeneDx Variant Classification Process June 2021. Collection method: clinical testing. Allele origin: germline. Affected: yes.
Comment: Not observed at significant frequency in large population cohorts (gnomAD); In silico analysis supports that this missense variant has a deleterious effect on protein structure/function; Has not been previously published as pathogenic or benign to our knowledge

NM_001256789.3(CACNA1F):c.4873A>C (p.Thr1625Pro)

Genes: CACNA1F (calcium voltage-gated channel subunit alpha1 F; minus strand), LOC126863257 (BRD4-independent group 4 enhancer GRCh37_chrX:49065732-49066931; plus strand). Cytogenetic location: Xp11.23.
Variant type: single nucleotide variant.
Coding change: c.4873A>C on transcript NM_001256789.3 (MANE Select); coding-DNA position 4873, A replaced by C.
Protein change: p.Thr1625Pro; replaces threonine 1625 with proline.
Molecular consequence: missense variant.
Genome position (GRCh38, 1-based): chrX:49,209,342, T>G on the plus strand (A>C on the coding strand, the complement: CACNA1F is on the minus strand). VCF-style: chrX-49209342-T-G. GRCh37 (hg19) VCF-style: chrX-49065802-T-G.
Other names: c.4711A>C, p.Thr1571Pro (NM_001256790.3); c.4906A>C, p.Thr1636Pro (NM_005183.4); short protein forms T1571P, T1625P, T1636P.
Identifiers: ClinVar variation 1703457 (VCV001703457.4), dbSNP rs2520740736, ClinGen allele CA412960026.